The following is an entry in ClinVar:

ClinVar aggregate classification (germline): Uncertain significance. Review status: criteria provided, multiple submitters, no conflicts (2 of 4 stars). 4 submissions from 4 submitters: Uncertain significance (4). Last evaluated 2025-02-15.

Conditions:
Hereditary diffuse gastric adenocarcinoma (HDGC). Also called: DIFFUSE GASTRIC AND LOBULAR BREAST CANCER SYNDROME. Identifiers: Orphanet 26106, MedGen C1708349, MONDO:0007648, OMIM 137215.
Hereditary cancer-predisposing syndrome. Also called: Hereditary neoplastic syndrome; Neoplastic Syndromes, Hereditary; Tumor predisposition; Hereditary Cancer Syndrome. Identifiers: Orphanet 140162, MedGen C0027672, MeSH D009386, MONDO:0015356.

Submissions (4):

Labcorp Genetics (formerly Invitae), Labcorp
Classification: Uncertain significance for Hereditary diffuse gastric adenocarcinoma. Last evaluated: 2025-02-15. Review status: criteria provided, single submitter. Criteria: Invitae Variant Classification Sherloc (09022015). Collection method: clinical testing. Allele origin: germline.
Comment: This sequence change replaces threonine, which is neutral and polar, with asparagine, which is neutral and polar, at codon 679 of the CDH1 protein (p.Thr679Asn). This variant is not present in population databases (gnomAD no frequency). This variant has not been reported in the literature in individuals affected with CDH1-related conditions. ClinVar contains an entry for this variant (Variation ID: 1024018). An algorithm developed to predict the effect of missense changes on protein structure and function (PolyPhen-2) suggests that this variant is likely to be disruptive. In summary, the available evidence is currently insufficient to determine the role of this variant in disease. Therefore, it has been classified as a Variant of Uncertain Significance.

GeneDx
Classification: Uncertain significance. Last evaluated: 2023-07-16. Review status: criteria provided, single submitter. Criteria: GeneDx Variant Classification Process June 2021. Collection method: clinical testing. Allele origin: germline. Affected: yes.
Comment: Not observed at significant frequency in large population cohorts (gnomAD); In silico analysis supports that this missense variant does not alter protein structure/function; Observed in a control individual and not present in any individuals with breast cancer (Dorling et al., 2021); This variant is associated with the following publications: (PMID: 15235021, 22850631, 33471991)

Sema4
Classification: Uncertain significance for Hereditary cancer-predisposing syndrome. Last evaluated: 2021-11-19. Review status: criteria provided, single submitter. Criteria: Sema4 Curation Guidelines. Collection method: curation. Allele origin: germline.
Comment: The CDH1 c.2036C>A (p.T679N) variant has been reported in a large case-control study of breast cancer in 0/60466 cases and 1/53461 controls (PMID: 33471991). It was not observed in the large and broad cohorts of the Genome Aggregation Database. The variant has been reported in ClinVar (Variation ID 1024018). Functional studies have not been performed, and in silico predictions of the variant's effect on protein function are inconclusive. The evidence is insufficient to meet ACMG/AMP criteria for classifying the variant as benign or pathogenic. Thus, the clinical significance of this variant is currently uncertain.

Ambry Genetics
Classification: Uncertain significance for Hereditary cancer-predisposing syndrome. Last evaluated: 2021-04-14. Review status: criteria provided, single submitter. Criteria: Ambry Variant Classification Scheme 2023. Collection method: clinical testing. Allele origin: germline.
Comment: The p.T679N variant (also known as c.2036C>A), located in coding exon 13 of the CDH1 gene, results from a C to A substitution at nucleotide position 2036. The threonine at codon 679 is replaced by asparagine, an amino acid with similar properties. This variant was reported in 0/60,466 breast cancer cases and in 1/53,461 controls (Dorling et al. N Engl J Med. 2021 02;384:428-439). This amino acid position is not well conserved in available vertebrate species. In addition, this alteration is predicted to be tolerated by in silico analysis. Since supporting evidence is limited at this time, the clinical significance of this alteration remains unclear.

Literature cited by the submitters: PubMed 33471991 (cited by Sema4 and Ambry Genetics).

NM_004360.5(CDH1):c.2036C>A (p.Thr679Asn)

Gene: CDH1 (cadherin 1; plus strand). Cytogenetic location: 16q22.1.
Variant type: single nucleotide variant.
Coding change: c.2036C>A on transcript NM_004360.5 (MANE Select); coding-DNA position 2036, C replaced by A.
Protein change: p.Thr679Asn; replaces threonine 679 with asparagine.
Molecular consequence: missense variant.
Genome position (GRCh38, 1-based): chr16:68,823,498, C>A. VCF-style: chr16-68823498-C-A. GRCh37 (hg19) VCF-style: chr16-68857401-C-A.
Other names: c.1853C>A, p.Thr618Asn (NM_001317184.2); c.488C>A, p.Thr163Asn (NM_001317185.2); c.71C>A, p.Thr24Asn (NM_001317186.2); short protein forms T163N, T24N, T618N, T679N.
Identifiers: ClinVar variation 1024018 (VCV001024018.15), dbSNP rs1961229985, ClinGen allele CA396467718.